The following is an entry in ClinVar:

NM_014251.3(SLC25A13):c.1371A>G (p.Gln457=)

Gene: SLC25A13 (solute carrier family 25 member 13; minus strand). Cytogenetic location: 7q21.3.
Variant type: single nucleotide variant.
Coding change: c.1371A>G on transcript NM_014251.3 (MANE Select); coding-DNA position 1371, A replaced by G.
Protein change: p.Gln457=; no amino-acid change (glutamine 457 retained).
Molecular consequence: synonymous variant. On other transcripts: non-coding transcript variant (1).
Genome position (GRCh38, 1-based): chr7:96,146,637, T>C on the plus strand (A>G on the coding strand, the complement: SLC25A13 is on the minus strand). VCF-style: chr7-96146637-T-C. GRCh37 (hg19) VCF-style: chr7-95775949-T-C.
Other names: c.1374A>G, p.Gln458= (NM_001160210.2).
Identifiers: ClinVar variation 389413 (VCV000389413.1), dbSNP rs576739220, ClinGen allele CA4352947.

ClinVar aggregate classification (germline): Likely benign (1 of 4 stars; one submission).

Allele frequency attached by ClinVar (database versions not stated): gnomAD exomes below 0.00001; ExAC 0.00001; gnomAD 0.00001; 1000 Genomes Project 30x 0.00016; 1000 Genomes Project 0.00020.
gnomAD v4.1: 1 of 1,614,032 alleles (0.000062%); highest among the groups gnomAD compares: Non-Finnish European, 0.000085%; no homozygotes.

Submission:

GeneDx
Classification: Likely benign. Last evaluated: 2016-10-11. Review status: criteria provided, single submitter. Criteria: GeneDx Variant Classification (06012015). Collection method: clinical testing. Allele origin: germline. Affected: yes.
Comment: This variant is considered likely benign or benign based on one or more of the following criteria: it is a conservative change, it occurs at a poorly conserved position in the protein, it is predicted to be benign by multiple in silico algorithms, and/or has population frequency not consistent with disease.